The following is an entry in ClinVar:

NC_000006.12:g.32853728dup

Gene: TAP1 (transporter 1, ATP binding cassette subfamily B member; minus strand). Cytogenetic location: 6p21.32.
Variant type: Duplication.
Genome position: GRCh38 VCF-style: chr6-32853724-T-TC. GRCh37 (hg19) VCF-style: chr6-32821501-T-TC.
Identifiers: ClinVar variation 2054486 (VCV002054486.4), dbSNP rs2483190241, ClinGen allele CA2580074327.
Genomic context (GRCh38, chr6:32,853,724, plus strand): 5'-GCCGGGCCTGGGACTCTCCGCGCCCCGGTGGGGCCTGAAGCTCCGGGTACCGCCGAGTCC[T>TC]CCCCTACTGGCGGCTGGGGGAGGGAACGAGGGCGGGGCTCTCGGAAAGTCCCAGGAACAG-3'

ClinVar aggregate classification (germline): Pathogenic (1 of 4 stars; one submission).

Conditions:
MHC class I deficiency. Identifiers: Orphanet 34592, MedGen C6024714, MONDO:0011476.

Submission:

Labcorp Genetics (formerly Invitae), Labcorp
Classification: Pathogenic for MHC class I deficiency 1. Last evaluated: 2024-11-18. Review status: criteria provided, single submitter. Criteria: Invitae Variant Classification Sherloc (09022015). Collection method: clinical testing. Allele origin: germline.
Comment: This sequence change creates a premature translational stop signal (p.Gly32Argfs*32) in the TAP1 gene. It is expected to result in an absent or disrupted protein product. Loss-of-function variants in TAP1 are known to be pathogenic (PMID: 10074494, 10074495). This variant is not present in population databases (gnomAD no frequency). This variant has not been reported in the literature in individuals affected with TAP1-related conditions. ClinVar contains an entry for this variant (Variation ID: 2054486). For these reasons, this variant has been classified as Pathogenic.

Literature cited by the submitters: PubMed 10074494; PubMed 10074495.